The following is an entry in ClinVar:

NM_001114133.3(SYNPO2L):c.2120dup (p.Pro708fs)

Gene: SYNPO2L (synaptopodin 2 like; minus strand). Cytogenetic location: 10q22.2.
Variant type: Duplication.
Coding change: c.2120dup on transcript NM_001114133.3 (MANE Select); coding-DNA position 2120, one base duplicated (C; older notation c.2120dupC).
Protein change: p.Pro708fs; shifts the reading frame from proline 708.
Molecular consequence: frameshift variant.
Genome position (GRCh38, 1-based): chr10:73,647,532, G duplicated on the plus strand (C on the coding strand, the reverse complement: SYNPO2L is on the minus strand); the first of 7 consecutive G bases (chr10:73,647,532-73,647,538); duplicating any one gives the same sequence. VCF-style (leftmost placement, unchanged base first): chr10-73647531-A-AG. GRCh37 (hg19) VCF-style: chr10-75407289-A-AG.
Other names: c.1448dup, p.Pro484fs (NM_024875.5); short protein forms P484fs, P708fs.
Identifiers: ClinVar variation 2501735 (VCV002501735.1), dbSNP rs768606281, ClinGen allele CA5557270.

ClinVar aggregate classification (germline): Uncertain significance (1 of 4 stars; one submission).

Submission:

Center for Genomics, Ann and Robert H. Lurie Children's Hospital of Chicago
Classification: Uncertain significance. Last evaluated: 2021-03-30. Review status: criteria provided, single submitter. Criteria: ACMG Guidelines, 2015. Collection method: clinical testing. Allele origin: germline.
Comment: SYNPO2L NM_001114133.2 exon 4 p.Pro708Serfs*13 (c.2120dup): This variant has not been reported in the literature and is not present in large control databases. Evolutionary conservation and computational predictive tools for this variant are limited or unavailable. This variant is a duplication of 1 cytosine nucleotide in a string of 7 cytosines and is predicted to create a premature stop codon 13 amino acids downstream from this location which results in an absent or abnormal protein. However, there is insufficient evidence to establish loss of function (LOF) as a known mechanism of disease. In addition, this variant occurs within the last exon of this gene; due to its position, it is possible that this protein may escape nonsense mediated decay. Further studies are needed to understand its impact. In summary, data on this variant is insufficient for disease classification. Therefore, the clinical significance of this variant is uncertain.